The following is an entry in ClinVar:

ClinVar aggregate classification (germline): Uncertain significance. Review status: criteria provided, multiple submitters, no conflicts (2 of 4 stars). 2 submissions from 2 submitters: Uncertain significance (2). Last evaluated 2024-05-20.

Conditions:
Mucolipidosis type II. Also called: Mucolipidosis 2; ML 2; Inclusion cell disease; Leroy Disease; N-acetylglucosamine 1phosphotransferase deficiency; ML disorder type 2. Identifiers: Orphanet 576, MedGen C2673377, MONDO:0009650, OMIM 252500.
Pseudo-Hurler polydystrophy. Also called: ML IIIA; Mucolipidosis III Alpha/Beta; MUCOLIPIDOSIS IIIA; ML III; ML III ALPHA/BETA; Type III Mucolipidosis. Identifiers: Orphanet 423461, Orphanet 577, MedGen C0033788, MONDO:0018931, OMIM 252600.
Inborn genetic diseases. Identifiers: MedGen C0950123, MeSH D030342.

Allele frequency attached by ClinVar (database versions not stated): ExAC 0.00010; TOPMed 0.00005; gnomAD 0.00001; gnomAD exomes 0.00002.

Submissions (2):

Ambry Genetics
Classification: Uncertain significance for Inborn genetic diseases. Last evaluated: 2024-05-20. Review status: criteria provided, single submitter. Criteria: Ambry Variant Classification Scheme 2023. Collection method: clinical testing. Allele origin: germline.

Labcorp Genetics (formerly Invitae), Labcorp
Classification: Uncertain significance for Pseudo-Hurler polydystrophy; Mucolipidosis type II. Last evaluated: 2022-04-08. Review status: criteria provided, single submitter. Criteria: Invitae Variant Classification Sherloc (09022015). Collection method: clinical testing. Allele origin: germline.
Comment: This sequence change replaces alanine, which is neutral and non-polar, with valine, which is neutral and non-polar, at codon 267 of the GNPTAB protein (p.Ala267Val). This variant is present in population databases (rs749496744, gnomAD 0.05%). This variant has not been reported in the literature in individuals affected with GNPTAB-related conditions. Algorithms developed to predict the effect of missense changes on protein structure and function are either unavailable or do not agree on the potential impact of this missense change (SIFT: "Deleterious"; PolyPhen-2: "Benign"; Align-GVGD: "Class C0"). In summary, the available evidence is currently insufficient to determine the role of this variant in disease. Therefore, it has been classified as a Variant of Uncertain Significance.

NM_024312.5(GNPTAB):c.800C>T (p.Ala267Val)

Gene: GNPTAB (N-acetylglucosamine-1-phosphate transferase subunits alpha and beta; minus strand). Cytogenetic location: 12q23.2.
Variant type: single nucleotide variant.
Coding change: c.800C>T on transcript NM_024312.5 (MANE Select); coding-DNA position 800, C replaced by T.
Protein change: p.Ala267Val; replaces alanine 267 with valine.
Molecular consequence: missense variant.
Genome position (GRCh38, 1-based): chr12:101,771,129, G>A on the plus strand (C>T on the coding strand, the complement: GNPTAB is on the minus strand). VCF-style: chr12-101771129-G-A. GRCh37 (hg19) VCF-style: chr12-102164907-G-A.
Other names: c.800C>T (NM_024312.4); short protein forms A267V.
Identifiers: ClinVar variation 2202555 (VCV002202555.2), dbSNP rs749496744, ClinGen allele CA6746781.
Genomic context (GRCh38, chr12:101,771,129, plus strand): 5'-TTCTTCTTAGTTTGCTTATTCAATTCTTGAAAATCCTTGGGGTTATTCAGTTTTAGAAGC[G>A]CTACACTGGCCTCTGAATACAACTGCAACTATCAAATAACAAGAGGATTACACATGAAAA-3'
Protein context (NP_077288.2, residues 257-277): LLQLYSEASV[Ala267Val]LLKLNNPKDF